The following is an entry in ClinVar:

NM_001127464.1:c.4253C>T

Gene: ZNF469 (zinc finger protein 469; plus strand).
Variant type: single nucleotide variant.
Identifiers: ClinVar variation 4842246 (VCV004842246.1).

ClinVar aggregate classification (germline): Uncertain significance (1 of 4 stars; one submission).

Conditions:
Cardiovascular phenotype. Identifiers: MedGen CN230736.

Submission:

Ambry Genetics
Classification: Uncertain significance for Cardiovascular phenotype. Last evaluated: 2026-01-06. Review status: criteria provided, single submitter. Criteria: Ambry Variant Classification Scheme 2023. Collection method: clinical testing. Allele origin: germline.
Comment: The p.S1418L variant (also known as c.4253C>T), located in coding exon 2 of the ZNF469 gene, results from a C to T substitution at nucleotide position 4253. The serine at codon 1418 is replaced by leucine, an amino acid with dissimilar properties. This amino acid position is conserved. In addition, this alteration is predicted to be tolerated by in silico analysis. Based on the available evidence, the clinical significance of this variant remains unclear.